The following is an entry in ClinVar:

Single allele

Genes: NHSL1 (NHS like 1; minus strand), LOC121132708 (Sharpr-MPRA regulatory region 8531; plus strand), LOC129997289 (ATAC-STARR-seq lymphoblastoid active region 25159; plus strand). Cytogenetic location: 6q24.1.
Variant type: Deletion.
Identifiers: ClinVar variation 157028 (VCV000157028.2).

ClinVar aggregate classification (germline): not provided (0 of 4 stars; one submission).

Conditions:
Preeclampsia. Identifiers: Orphanet 275555, MedGen C0032914, MONDO:0005081, HP:0100602.

Submission:

Institute of Molecular and Cell Biology, University of Tartu
No classification provided. Condition: Preeclampsia. Review status: no classification provided. Collection method: case-control. Allele origin: unknown. Affected: yes. Study: Kasak2014.
Comment: The study aimed to determine the contribution of copy number variants in the genetic etiology of normal and complicated pregnancies. The samples represented (i) maternal blood DNA drawn from healthy pregnant women during 1st or 2nd trimester and (ii) maternal and paternal blood DNA drawn at term pregnancy cases representing normal and complicated gestations (severe preeclampsia, PE; gestational diabetes, GD; small-for-gestational age newborn, SGA; large-for-gestational age newborn, LGA). We performed CNV calling based on genome-wide genotyping dataset (Illumina HumanOmniExpress-24-v1 BeadChip) by applying three algorithms, QuantiSNP, GADA (Genome Alteration Detection Algorithm) and CNstream in parallel. The acquired CNV calls were merged with HD-CNV (Hotspot Detector for Copy Number Variants) program and only the CNVs predicted by at least two programs, were considered in subsequent analysis.

Literature cited by the submitters: PubMed 25666259.